The following is an entry in ClinVar:

ClinVar aggregate classification (germline): Uncertain significance (1 of 4 stars; one submission).

Allele frequency attached by ClinVar (database versions not stated): gnomAD exomes below 0.00001.
gnomAD v4.1: 2 of 1,587,196 alleles (0.00013%); highest among the groups gnomAD compares: Non-Finnish European, 0.00017%; no homozygotes.

Submission:

Labcorp Genetics (formerly Invitae), Labcorp
Classification: Uncertain significance. Last evaluated: 2025-10-19. Review status: criteria provided, single submitter. Criteria: Invitae Variant Classification Sherloc (09022015). Collection method: clinical testing. Allele origin: germline.
Comment: This sequence change replaces leucine, which is neutral and non-polar, with serine, which is neutral and polar, at codon 406 of the POLG2 protein (p.Leu406Ser). This variant is not present in population databases (gnomAD no frequency). This variant has not been reported in the literature in individuals affected with POLG2-related conditions. ClinVar contains an entry for this variant (Variation ID: 2007031). An algorithm developed to predict the effect of missense changes on protein structure and function (PolyPhen-2) suggests that this variant is likely to be disruptive. In summary, the available evidence is currently insufficient to determine the role of this variant in disease. Therefore, it has been classified as a Variant of Uncertain Significance.

NM_007215.4(POLG2):c.1217T>C (p.Leu406Ser)

Genes: MILR1 (mast cell immunoglobulin like receptor 1; plus strand), POLG2 (DNA polymerase gamma 2, accessory subunit; minus strand). Cytogenetic location: 17q23.3.
Variant type: single nucleotide variant.
Coding change: c.1217T>C on transcript NM_007215.4 (MANE Select); coding-DNA position 1217, T replaced by C.
Protein change: p.Leu406Ser; replaces leucine 406 with serine.
Molecular consequence: missense variant.
Genome position (GRCh38, 1-based): chr17:64,480,364, A>G on the plus strand (T>C on the coding strand, the complement: POLG2 is on the minus strand). VCF-style: chr17-64480364-A-G. GRCh37 (hg19) VCF-style: chr17-62476481-A-G.
Other names: short protein forms L406S.
Identifiers: ClinVar variation 2007031 (VCV002007031.4), dbSNP rs2509518738, ClinGen allele CA400636406.